The following is an entry in ClinVar:

NC_000007.13:g.(?_95906498)_(95926273_?)dup

Gene: SLC25A13 (solute carrier family 25 member 13; minus strand). Cytogenetic location: 7q21.3.
Variant type: Duplication.
Identifiers: ClinVar variation 2425926 (VCV002425926.4).

ClinVar aggregate classification (germline): Likely pathogenic (1 of 4 stars; one submission).

Conditions:
Citrin deficiency. Identifiers: Orphanet 247582, MedGen C1997910, MONDO:0016602.

Submission:

Labcorp Genetics (formerly Invitae), Labcorp
Classification: Likely pathogenic for Citrin deficiency. Last evaluated: 2022-03-09. Review status: criteria provided, single submitter. Criteria: Invitae Variant Classification Sherloc (09022015). Collection method: clinical testing. Allele origin: germline.
Comment: In summary, the currently available evidence indicates that the variant is pathogenic, but additional data are needed to prove that conclusively. Therefore, this variant has been classified as Likely Pathogenic. This variant is also known as r.16_212dup. A similar copy number variant has been observed in individual(s) with SLC25A13-related conditions (PMID: 23022256). This variant results in a copy number gain of the genomic region encompassing exon(s) 2-3 of the SLC25A13 gene. While the exact position of this variant cannot be determined from the data, sub-genic copy number gains are generally in tandem (PMID: 25640679). This variant is predicted to be out-of-frame, and may result in an absent or disrupted protein product. Loss-of-function variants in SLC25A13 are known to be pathogenic (PMID: 10369257, 14680984, 27405544).

Literature cited by the submitters: PubMed 23022256; PubMed 25640679; PubMed 10369257; PubMed 14680984; PubMed 27405544.